The following is an entry in ClinVar:

ClinVar aggregate classification (germline): Uncertain significance. Review status: criteria provided, multiple submitters, no conflicts (2 of 4 stars). 2 submissions from 2 submitters: Uncertain significance (2). Last evaluated 2025-09-30.

Conditions:
Early-infantile DEE. Also called: Early infantile epileptic encephalopathy; Early infantile epileptic encephalopathy with suppression bursts; Ohtahara syndrome. Identifiers: Orphanet 1934, MedGen C0393706, MONDO:0800491.
Developmental and epileptic encephalopathy, 5 (DEE5). Identifiers: Orphanet 3451, MedGen C3150731, MONDO:0013277, OMIM 613477.

Submissions (2):

Laboratorio de Genetica e Diagnostico Molecular, Hospital Israelita Albert Einstein
Classification: Uncertain significance for Developmental and epileptic encephalopathy, 5. Last evaluated: 2025-09-30. Review status: criteria provided, single submitter. Criteria: ACMG Guidelines, 2015. Collection method: clinical testing. Allele origin: germline. Affected: yes.
Comment: ACMG classification criteria: PM2 supporting, PP2 supporting, BP4 supporting

Labcorp Genetics (formerly Invitae), Labcorp
Classification: Uncertain significance for Early-infantile DEE. Last evaluated: 2022-10-13. Review status: criteria provided, single submitter. Criteria: Invitae Variant Classification Sherloc (09022015). Collection method: clinical testing. Allele origin: germline.
Comment: This variant has not been reported in the literature in individuals affected with SPTAN1-related conditions. This variant is not present in population databases (gnomAD no frequency). This sequence change replaces glutamine, which is neutral and polar, with arginine, which is basic and polar, at codon 893 of the SPTAN1 protein (p.Gln893Arg). Advanced modeling of protein sequence and biophysical properties (such as structural, functional, and spatial information, amino acid conservation, physicochemical variation, residue mobility, and thermodynamic stability) has been performed at Invitae for this missense variant, however the output from this modeling did not meet the statistical confidence thresholds required to predict the impact of this variant on SPTAN1 protein function. In summary, the available evidence is currently insufficient to determine the role of this variant in disease. Therefore, it has been classified as a Variant of Uncertain Significance.

NM_001130438.3(SPTAN1):c.2678A>G (p.Gln893Arg)

Gene: SPTAN1 (spectrin alpha, non-erythrocytic 1; plus strand). Cytogenetic location: 9q34.11.
Variant type: single nucleotide variant.
Coding change: c.2678A>G on transcript NM_001130438.3 (MANE Select); coding-DNA position 2678, A replaced by G.
Protein change: p.Gln893Arg; replaces glutamine 893 with arginine.
Molecular consequence: missense variant.
Genome position (GRCh38, 1-based): chr9:128,585,865, A>G. VCF-style: chr9-128585865-A-G. GRCh37 (hg19) VCF-style: chr9-131348144-A-G.
Other names: c.2678A>G, p.Gln893Arg (NM_001195532.2, NM_001363759.2, NM_001363765.2 and 5 more transcripts); c.2714A>G, p.Gln905Arg (NM_001375312.2, NM_001375318.1); short protein forms Q905R, Q893R.
Identifiers: ClinVar variation 2093250 (VCV002093250.5), dbSNP rs2541240705, ClinGen allele CA375058297.